The following is an entry in ClinVar:

NM_006922.4(SCN3A):c.2905G>T (p.Val969Phe)

Gene: SCN3A (sodium voltage-gated channel alpha subunit 3; minus strand). Cytogenetic location: 2q24.3.
Variant type: single nucleotide variant.
Coding change: c.2905G>T on transcript NM_006922.4 (MANE Select); coding-DNA position 2905, G replaced by T.
Protein change: p.Val969Phe; replaces valine 969 with phenylalanine.
Molecular consequence: missense variant.
Genome position (GRCh38, 1-based): chr2:165,129,957, C>A on the plus strand (G>T on the coding strand, the complement: SCN3A is on the minus strand). VCF-style: chr2-165129957-C-A. GRCh37 (hg19) VCF-style: chr2-165986467-C-A.
Other names: c.2758G>T, p.Val920Phe (NM_001081676.2, NM_001081677.2); short protein forms V920F, V969F.
Identifiers: ClinVar variation 3765788 (VCV003765788.1).

ClinVar aggregate classification (germline): Uncertain significance (1 of 4 stars; one submission).

Submission:

Greenwood Genetic Center Diagnostic Laboratories, Greenwood Genetic Center
Classification: Uncertain significance. Last evaluated: 2024-11-22. Review status: criteria provided, single submitter. Criteria: ACMG Guidelines, 2015. Collection method: clinical testing. Allele origin: germline. Affected: yes.
Comment: PM2, PP2, PP3